The following is an entry in ClinVar:

ClinVar aggregate classification (germline): Likely benign (1 of 4 stars; one submission).

Allele frequency attached by ClinVar (database versions not stated): 1000 Genomes Project 0.00040; 1000 Genomes Project 30x 0.00062; TOPMed 0.00099; gnomAD 0.00134; gnomAD exomes 0.00134; ExAC 0.00158; ESP Exome Variant Server 0.00169.
gnomAD v4.1: 2,110 of 1,602,626 alleles (0.13%); highest among the groups gnomAD compares: Non-Finnish European, 0.17%; 6 homozygotes.

Submission:

CeGaT Center for Human Genetics Tuebingen
Classification: Likely benign. Last evaluated: 2026-07-01. Review status: criteria provided, single submitter. Criteria: CeGaT Center For Human Genetics Tuebingen Variant Classification Criteria Version 2. Collection method: clinical testing. Allele origin: germline. Affected: yes. Observed: 5 variant alleles.
Comment: AXIN1: BP4

NM_003502.4(AXIN1):c.1549G>A (p.Val517Ile)

Gene: AXIN1 (axin 1; minus strand). Cytogenetic location: 16p13.3.
Variant type: single nucleotide variant.
Coding change: c.1549G>A on transcript NM_003502.4 (MANE Select); coding-DNA position 1549, G replaced by A.
Protein change: p.Val517Ile; replaces valine 517 with isoleucine.
Molecular consequence: missense variant. On other transcripts: non-coding transcript variant (1).
Genome position (GRCh38, 1-based): chr16:297,957, C>T on the plus strand (G>A on the coding strand, the complement: AXIN1 is on the minus strand). VCF-style: chr16-297957-C-T. GRCh37 (hg19) VCF-style: chr16-347957-C-T.
Other names: c.1549G>A, p.Val517Ile (NM_181050.3); short protein forms V517I.
Identifiers: ClinVar variation 2645785 (VCV002645785.24), dbSNP rs149849071, ClinGen allele CA7774161.
Genomic context (GRCh38, chr16:297,957, plus strand): 5'-GGTGGACGTGTCGGTGGTGGTGCAGGCCGGCCGCGTCCAGCTTCGCCCCTGACTTGGGTA[C>T]GTGCTTCCCGTGCCCCGAGGCGGCACCCCCCAGTGCCACTGGCATCTTGGCCACGTGCCC-3'
Protein context (NP_003493.1, residues 507-527): GGAASGHGKH[Val517Ile]PKSGAKLDAA